The following is an entry in ClinVar:

ClinVar aggregate classification (germline): Uncertain significance (1 of 4 stars; one submission).

Submission:

Labcorp Genetics (formerly Invitae), Labcorp
Classification: Uncertain significance. Last evaluated: 2024-12-02. Review status: criteria provided, single submitter. Criteria: Invitae Variant Classification Sherloc (09022015). Collection method: clinical testing. Allele origin: germline.
Comment: This sequence change replaces aspartic acid, which is acidic and polar, with valine, which is neutral and non-polar, at codon 479 of the COMP protein (p.Asp479Val). This variant is not present in population databases (gnomAD no frequency). This variant has not been reported in the literature in individuals affected with COMP-related conditions. ClinVar contains an entry for this variant (Variation ID: 2765145). Invitae Evidence Modeling of protein sequence and biophysical properties (such as structural, functional, and spatial information, amino acid conservation, physicochemical variation, residue mobility, and thermodynamic stability) indicates that this missense variant is expected to disrupt COMP protein function with a positive predictive value of 80%. This variant disrupts the p.Asp479 amino acid residue in COMP. Other variant(s) that disrupt this residue have been determined to be pathogenic (PMID: 15756302; internal data). This suggests that this residue is clinically significant, and that variants that disrupt this residue are likely to be disease-causing. In summary, the available evidence is currently insufficient to determine the role of this variant in disease. Therefore, it has been classified as a Variant of Uncertain Significance.

Literature cited by the submitters: PubMed 15756302.

NM_000095.3(COMP):c.1436A>T (p.Asp479Val)

Gene: COMP (cartilage oligomeric matrix protein; minus strand). Cytogenetic location: 19p13.11.
Variant type: single nucleotide variant.
Coding change: c.1436A>T on transcript NM_000095.3 (MANE Select); coding-DNA position 1436, A replaced by T.
Protein change: p.Asp479Val; replaces aspartic acid 479 with valine.
Molecular consequence: missense variant.
Genome position (GRCh38, 1-based): chr19:18,786,018, T>A on the plus strand (A>T on the coding strand, the complement: COMP is on the minus strand). VCF-style: chr19-18786018-T-A. GRCh37 (hg19) VCF-style: chr19-18896828-T-A.
Other names: short protein forms D479V.
Identifiers: ClinVar variation 2765145 (VCV002765145.3), dbSNP rs2512847477, ClinGen allele CA404884376.